The following is an entry in ClinVar:

NM_000138.5(FBN1):c.1733dup (p.Arg579fs)

Gene: FBN1 (fibrillin 1; minus strand). Cytogenetic location: 15q21.1.
Variant type: Duplication.
Coding change: c.1733dup on transcript NM_000138.5 (MANE Select); coding-DNA position 1733, one base duplicated (T; older notation c.1733dupT).
Protein change: p.Arg579fs; shifts the reading frame from arginine 579.
Molecular consequence: frameshift variant.
Genome position (GRCh38, 1-based): chr15:48,508,686, A duplicated on the plus strand (T on the coding strand, the reverse complement: FBN1 is on the minus strand). VCF-style (leftmost placement, unchanged base first): chr15-48508685-T-TA. GRCh37 (hg19) VCF-style: chr15-48800882-T-TA.
Other names: c.1733dup, p.Arg579fs (NM_001406716.1); short protein forms R579fs.
Identifiers: ClinVar variation 4785361 (VCV004785361.1).

ClinVar aggregate classification (germline): Pathogenic (1 of 4 stars; one submission).

Conditions:
Marfan syndrome (MFS). Also called: FBN1-Related Marfan Syndrome; MARFAN SYNDROME, TYPE I; Marfan syndrome type 1; Marfan's syndrome; Marfan syndrome, classic. Identifiers: Orphanet 284963, Orphanet 558, MedGen C0024796, MONDO:0007947, OMIM 154700.
Familial thoracic aortic aneurysm and aortic dissection (TAAD). Also called: Thoracic aortic aneurysms and dissections. Identifiers: Orphanet 91387, MedGen C4707243, MONDO:0019625.

Submission:

Labcorp Genetics (formerly Invitae), Labcorp
Classification: Pathogenic for Marfan syndrome; Familial thoracic aortic aneurysm and aortic dissection. Last evaluated: 2025-06-22. Review status: criteria provided, single submitter. Criteria: Invitae Variant Classification Sherloc (09022015). Collection method: clinical testing. Allele origin: germline.
Comment: This sequence change creates a premature translational stop signal (p.Arg579Lysfs*6) in the FBN1 gene. It is expected to result in an absent or disrupted protein product. Loss-of-function variants in FBN1 are known to be pathogenic (PMID: 17657824, 19293843). This variant is not present in population databases (gnomAD no frequency). This variant has not been reported in the literature in individuals affected with FBN1-related conditions. For these reasons, this variant has been classified as Pathogenic.

Literature cited by the submitters: PubMed 17657824; PubMed 19293843.